The following is an entry in ClinVar:

ClinVar aggregate classification (germline): Uncertain significance (1 of 4 stars; one submission).

Conditions:
Cerebellar ataxia, impaired intellectual development, and dysequilibrium syndrome 2. Also called: CEREBELLAR ATAXIA, MENTAL RETARDATION, AND DYSEQUILIBRIUM SYNDROME 2; CEREBELLAR ATAXIA AND MENTAL RETARDATION WITH OR WITHOUT QUADRUPEDAL LOCOMOTION 2; Cerebellar ataxia, intellectual disability, and dysequilibrium syndrome 2. Identifiers: Orphanet 1766, MedGen C2750234, MONDO:0012430, OMIM 610185.

Submission:

3billion
Classification: Uncertain significance for Cerebellar ataxia, impaired intellectual development, and dysequilibrium syndrome 2. Last evaluated: 2025-01-23. Review status: criteria provided, single submitter. Criteria: ACMG Guidelines, 2015. Collection method: clinical testing. Allele origin: germline. Affected: yes.
Comment: The variant is not observed in the gnomAD v4.1.0 dataset. Predicted Consequence/Location: Missense variant. The majority of the known disease-causing variants of this gene are variants expected to result in premature termination of the protein. In silico tool predictions suggest damaging effect of the variant on gene or gene product [REVEL: 0.91 (>=0.6, sensitivity 0.68 and specificity 0.92); 3Cnet: 0.00 (>=0.6, sensitivity 0.72 and precision 0.9)]. Therefore, this variant is classified as VUS according to the recommendation of ACMG/AMP guideline.

NM_001163809.2(WDR81):c.1192G>C (p.Asp398His)

Gene: WDR81 (WD repeat domain 81; plus strand). Cytogenetic location: 17p13.3.
Variant type: single nucleotide variant.
Coding change: c.1192G>C on transcript NM_001163809.2 (MANE Select); coding-DNA position 1192, G replaced by C.
Protein change: p.Asp398His; replaces aspartic acid 398 with histidine.
Molecular consequence: missense variant. On other transcripts: intron variant (3).
Genome position (GRCh38, 1-based): chr17:1,726,151, G>C. VCF-style: chr17-1726151-G-C. GRCh37 (hg19) VCF-style: chr17-1629445-G-C.
Other names: c.-123-1839G>C (NM_152348.4); c.59-4229G>C (NM_001163673.2); c.-15+1365G>C (NM_001163811.2); short protein forms D398H.
Identifiers: ClinVar variation 4293992 (VCV004293992.1).
Genomic context (GRCh38, chr17:1,726,151, plus strand): 5'-AACTACCACCCCGTGCTGCCCTGGGTGGTGGACTTCACTACGCCCCATGGGCGCTTCCGA[G>C]ACCTGCGCAAGTCCAAGTTCCGCCTCAACAAGGGGGATAAGCAACTGGACTTCACGTATG-3'
Protein context (NP_001157281.1, residues 388-408): DFTTPHGRFR[Asp398His]LRKSKFRLNK